The following is an entry in ClinVar:

NM_000133.4(F9):c.277+5dup

Gene: F9 (coagulation factor IX; plus strand). Cytogenetic location: Xq27.1.
Variant type: Duplication.
Coding change: c.277+5dup on transcript NM_000133.4 (MANE Select); 5 bases into the intron after coding-DNA position 277, one base duplicated (G; older notation c.277+5dupG).
Molecular consequence: intron variant.
Genome position (GRCh38, 1-based): chrX:139,537,391, G duplicated. VCF-style (leftmost placement, unchanged base first): chrX-139537390-A-AG. GRCh37 (hg19) VCF-style: chrX-138619549-A-AG.
Other names: c.277+5dup (NM_001313913.2).
Identifiers: ClinVar variation 5003950 (VCV005003950.1).

ClinVar aggregate classification (germline): Uncertain significance (1 of 4 stars; one submission).

Conditions:
Hereditary factor IX deficiency disease (HEMB). Also called: PLASMA THROMBOPLASTIN COMPONENT DEFICIENCY; Hemophilia B; Christmas Disease; F9 DEFICIENCY; FACTOR IX DEFICIENCY. Identifiers: Orphanet 98879, MedGen C0008533, MeSH D002836, MONDO:0010604, OMIM 306900.

Submission:

Myriad Genetics, Inc.
Classification: Uncertain significance for Hereditary factor IX deficiency disease. Last evaluated: 2025-07-29. Review status: criteria provided, single submitter. Criteria: Myriad Autosomal Dominant, Autosomal Recessive and X-Linked Classification Criteria (2023). Collection method: clinical testing. Allele origin: unknown.
Comment: NM_000133.3(F9):c.277+5dupG is an intronic variant classified as a variant of uncertain significance in the context of hemophilia B. c.277+5dupG has not been observed in cases with relevant disease. Relevant functional assessments of this variant are not available in the literature. c.277+5dupG has not been observed in referenced population frequency databases. In summary, there is insufficient evidence to classify NM_000133.3(F9):c.277+5dupG as pathogenic or benign. Please note: this variant was assessed in the context of healthy population screening.